The following is an entry in ClinVar:

NM_005138.3(SCO2):c.116C>A (p.Ser39Ter)

Genes: NCAPH2 (non-SMC condensin II complex subunit H2; plus strand), SCO2 (synthesis of cytochrome C oxidase 2; minus strand). Cytogenetic location: 22q13.33.
Variant type: single nucleotide variant.
Coding change: c.116C>A on transcript NM_005138.3 (MANE Select); coding-DNA position 116, C replaced by A.
Protein change: p.Ser39Ter; replaces serine 39 with a stop codon.
Molecular consequence: nonsense. On other transcripts: 3 prime UTR variant (2).
Genome position (GRCh38, 1-based): chr22:50,524,296, G>T on the plus strand (C>A on the coding strand, the complement: SCO2 is on the minus strand). VCF-style: chr22-50524296-G-T. GRCh37 (hg19) VCF-style: chr22-50962725-G-T.
Other names: c.*921G>T (NM_001185011.2, NM_152299.4); c.116C>A, p.Ser39Ter (NM_001169109.2, NM_001169110.1, NM_001169111.2); short protein forms S39*.
Identifiers: ClinVar variation 2760098 (VCV002760098.3), dbSNP rs767634441, ClinGen allele CA412194171.

ClinVar aggregate classification (germline): Pathogenic (1 of 4 stars; one submission).

Submission:

Labcorp Genetics (formerly Invitae), Labcorp
Classification: Pathogenic. Last evaluated: 2023-09-11. Review status: criteria provided, single submitter. Criteria: Invitae Variant Classification Sherloc (09022015). Collection method: clinical testing. Allele origin: germline.
Comment: This variant has not been reported in the literature in individuals affected with SCO2-related conditions. For these reasons, this variant has been classified as Pathogenic. This variant disrupts a region of the SCO2 protein in which other variant(s) (p.Gly193Ser) have been determined to be pathogenic (PMID: 19353847, 29193756, 32600061). This suggests that this is a clinically significant region of the protein, and that variants that disrupt it are likely to be disease-causing. This variant is not present in population databases (gnomAD no frequency). This sequence change creates a premature translational stop signal (p.Ser39*) in the SCO2 gene. While this is not anticipated to result in nonsense mediated decay, it is expected to disrupt the last 228 amino acid(s) of the SCO2 protein.

Literature cited by the submitters: PubMed 19353847; PubMed 29193756; PubMed 32600061.